The following is an entry in ClinVar:

NM_002253.4(KDR):c.3445C>G (p.Gln1149Glu)

Gene: KDR (kinase insert domain receptor; minus strand). Cytogenetic location: 4q12.
Variant type: single nucleotide variant.
Coding change: c.3445C>G on transcript NM_002253.4 (MANE Select); coding-DNA position 3445, C replaced by G.
Protein change: p.Gln1149Glu; replaces glutamine 1149 with glutamic acid.
Molecular consequence: missense variant.
Genome position (GRCh38, 1-based): chr4:55,088,933, G>C on the plus strand (C>G on the coding strand, the complement: KDR is on the minus strand). VCF-style: chr4-55088933-G-C. GRCh37 (hg19) VCF-style: chr4-55955100-G-C.
Other names: short protein forms Q1149E.
Identifiers: ClinVar variation 1050415 (VCV001050415.1), dbSNP rs376432705, ClinGen allele CA2924110.
Genomic context (GRCh38, chr4:55,088,933, plus strand): 5'-GAGCATTAGCTTGCAAGAGATTTCCCAAATGTTCCACCAACTCTGAAAACGTGGGTCTCT[G>C]ACTGGGCTCCCCGTGCCAGCAGTCCAGCATGGTCTGGTACCTAGAGAAGCAAAACACTGA-3'
Protein context (NP_002244.1, residues 1139-1159): MLDCWHGEPS[Gln1149Glu]RPTFSELVEH

ClinVar aggregate classification (germline): Uncertain significance (0 of 4 stars; one submission).

Allele frequency attached by ClinVar (database versions not stated): ESP Exome Variant Server 0.00008; gnomAD exomes 0.00008 and 0.00014; ExAC 0.00009; gnomAD 0.00011.
gnomAD v4.1: 214 of 1,614,032 alleles (0.013%); highest among the groups gnomAD compares: Non-Finnish European, 0.017%; no homozygotes.

Submission:

Department of Pathology and Laboratory Medicine, Sinai Health System
Classification: Uncertain significance. Review status: no assertion criteria provided. Collection method: clinical testing. Allele origin: unknown. Affected: yes. Study: The Canadian Open Genetics Repository (COGR).
Comment: The KDR p.Gln1149Glu variant was not identified in the literature nor was it identified in ClinVar or Cosmic. The variant was identified in dbSNP (ID: rs376432705) and LOVD 3.0. The variant was identified in control databases in 21 of 282644 chromosomes at a frequency of 0.000074 (Genome Aggregation Database Feb 27, 2017). The variant was observed in the following population: European (non-Finnish) in 21 of 129016 chromosomes (freq: 0.000163); it was not observed in the African, Latino, Ashkenazi Jewish, East Asian, European (Finnish), Other, and South Asian populations. The p.Gln1149 residue is not conserved in mammals and four out of five computational analyses (PolyPhen-2, SIFT, AlignGVGD, BLOSUM) do not suggest a high likelihood of impact to the protein; however, this information is not predictive enough to rule out pathogenicity. The variant occurs outside of the splicing consensus sequence and 3 of 4 in silico or computational prediction software programs (SpliceSiteFinder, NNSPLICE, GeneSplicer) do not predict a difference in splicing. In summary, based on the above information the clinical significance of this variant cannot be determined with certainty at this time. This variant is classified as a variant of uncertain significance.